The following is an entry in ClinVar:

ClinVar aggregate classification (germline): Uncertain significance. Review status: criteria provided, multiple submitters, no conflicts (2 of 4 stars). 2 submissions from 2 submitters: Uncertain significance (2). Last evaluated 2024-12-05.

Conditions:
Aicardi-Goutieres syndrome 7 (AGS7). Identifiers: Orphanet 51, MedGen C3888244, MONDO:0014367, OMIM 615846.
Singleton-Merten syndrome 1 (SGMRT1). Also called: Widened medullary cavities of bone, aortic calcification, abnormal dentition, and muscular weakness; Syndrome of widened medullary cavities of the metacarpals and phalanges, aortic calcification and abnormal dentition. Identifiers: Orphanet 85191, MedGen C4225427, MONDO:0024535, OMIM 182250.

Submissions (2):

Labcorp Genetics (formerly Invitae), Labcorp
Classification: Uncertain significance for Aicardi-Goutieres syndrome 7; Singleton-Merten syndrome 1. Last evaluated: 2024-12-05. Review status: criteria provided, single submitter. Criteria: Invitae Variant Classification Sherloc (09022015). Collection method: clinical testing. Allele origin: germline.
Comment: This sequence change replaces cysteine, which is neutral and slightly polar, with arginine, which is basic and polar, at codon 962 of the IFIH1 protein (p.Cys962Arg). This variant is not present in population databases (gnomAD no frequency). This variant has not been reported in the literature in individuals affected with IFIH1-related conditions. This missense change has been observed in at least one individual who was not affected with IFIH1-related conditions (internal data). ClinVar contains an entry for this variant (Variation ID: 1698181). Invitae Evidence Modeling of protein sequence and biophysical properties (such as structural, functional, and spatial information, amino acid conservation, physicochemical variation, residue mobility, and thermodynamic stability) has been performed for this missense variant. However, the output from this modeling did not meet the statistical confidence thresholds required to predict the impact of this variant on IFIH1 protein function. In summary, the available evidence is currently insufficient to determine the role of this variant in disease. Therefore, it has been classified as a Variant of Uncertain Significance.

GeneDx
Classification: Uncertain significance. Last evaluated: 2022-01-19. Review status: criteria provided, single submitter. Criteria: GeneDx Variant Classification Process June 2021. Collection method: clinical testing. Allele origin: germline. Affected: yes.
Comment: Not observed at significant frequency in large population cohorts (gnomAD); In silico analysis supports that this missense variant has a deleterious effect on protein structure/function; Has not been previously published as pathogenic or benign to our knowledge

NM_022168.4(IFIH1):c.2884T>C (p.Cys962Arg)

Gene: IFIH1 (interferon induced with helicase C domain 1; minus strand). Cytogenetic location: 2q24.2.
Variant type: single nucleotide variant.
Coding change: c.2884T>C on transcript NM_022168.4 (MANE Select); coding-DNA position 2884, T replaced by C.
Protein change: p.Cys962Arg; replaces cysteine 962 with arginine.
Molecular consequence: missense variant.
Genome position (GRCh38, 1-based): chr2:162,267,493, A>G on the plus strand (T>C on the coding strand, the complement: IFIH1 is on the minus strand). VCF-style: chr2-162267493-A-G. GRCh37 (hg19) VCF-style: chr2-163124003-A-G.
Other names: short protein forms C962R.
Identifiers: ClinVar variation 1698181 (VCV001698181.5), dbSNP rs1559808756, ClinGen allele CA348989623.